The following is an entry in ClinVar:

NM_001197104.2(KMT2A):c.3634+2T>C

Gene: KMT2A (lysine methyltransferase 2A; plus strand). Cytogenetic location: 11q23.3.
Variant type: single nucleotide variant.
Coding change: c.3634+2T>C on transcript NM_001197104.2 (MANE Select); the canonical splice donor site of the intron after coding-DNA position 3634, T replaced by C.
Molecular consequence: splice donor variant.
Genome position (GRCh38, 1-based): chr11:118,480,240, T>C. VCF-style: chr11-118480240-T-C. GRCh37 (hg19) VCF-style: chr11-118350955-T-C.
Other names: c.3733+2T>C (NM_001412597.1); c.3634+2T>C (NM_005933.4).
Identifiers: ClinVar variation 489138 (VCV000489138.2), dbSNP rs1555038844, ClinGen allele CA382826605.
Genomic context (GRCh38, chr11:118,480,240, plus strand): 5'-AAAATGTCAGAATCTACAATGGATGCCTTCCAAAGCCTACCTGCAGAAGCAAGCTAAAGG[T>C]AGTGTTGTTAAAAAGGTCTTCCCCCAAATGCTCCTTGCTTAAATGGTGTATAGTTGTATA-3'

ClinVar aggregate classification (germline): Pathogenic (1 of 4 stars; one submission).

Submission:

GeneDx
Classification: Pathogenic. Last evaluated: 2017-11-24. Review status: criteria provided, single submitter. Criteria: GeneDx Variant Classification (06012015). Collection method: clinical testing. Allele origin: germline. Affected: yes.
Comment: The c.3634+2T>C variant in the KMT2A gene has not been reported previously as a pathogenic variant nor as a benign variant, to our knowledge. This splice site variant destroys the canonical splice donor site in intron 6. It is predicted to cause abnormal gene splicing, either leading to an abnormal message that is subject to nonsense-mediated mRNA decay, or to an abnormal protein product if the message is used for protein translation. The c.3634+2T>C variant is not observed in large population cohorts (Lek et al., 2016). We interpret c.3634+2T>C as a pathogenic variant.